The following is an entry in ClinVar:

ClinVar aggregate classification (germline): Uncertain significance (1 of 4 stars; one submission).

gnomAD v4.1: 2 of 1,614,082 alleles (0.00012%); highest among the groups gnomAD compares: Non-Finnish European, 0.00017%; no homozygotes.

Submission:

Labcorp Genetics (formerly Invitae), Labcorp
Classification: Uncertain significance. Last evaluated: 2026-01-18. Review status: criteria provided, single submitter. Criteria: Invitae Variant Classification Sherloc (09022015). Collection method: clinical testing. Allele origin: germline.
Comment: This sequence change replaces phenylalanine, which is neutral and non-polar, with leucine, which is neutral and non-polar, at codon 811 of the DUOX2 protein (p.Phe811Leu). This variant is not present in population databases (gnomAD no frequency). This variant has not been reported in the literature in individuals affected with DUOX2-related conditions. Invitae Evidence Modeling of protein sequence and biophysical properties (such as structural, functional, and spatial information, amino acid conservation, physicochemical variation, residue mobility, and thermodynamic stability) indicates that this missense variant is not expected to disrupt DUOX2 protein function with a negative predictive value of 80%. In summary, the available evidence is currently insufficient to determine the role of this variant in disease. Therefore, it has been classified as a Variant of Uncertain Significance.

NM_001363711.2(DUOX2):c.2433T>G (p.Phe811Leu)

Gene: DUOX2 (dual oxidase 2; minus strand). Cytogenetic location: 15q21.1.
Variant type: single nucleotide variant.
Coding change: c.2433T>G on transcript NM_001363711.2 (MANE Select); coding-DNA position 2433, T replaced by G.
Protein change: p.Phe811Leu; replaces phenylalanine 811 with leucine.
Molecular consequence: missense variant.
Genome position (GRCh38, 1-based): chr15:45,104,267, A>C on the plus strand (T>G on the coding strand, the complement: DUOX2 is on the minus strand). VCF-style: chr15-45104267-A-C. GRCh37 (hg19) VCF-style: chr15-45396465-A-C.
Other names: c.2433T>G, p.Phe811Leu (NM_014080.5); short protein forms F811L.
Identifiers: ClinVar variation 4765911 (VCV004765911.1).
Genomic context (GRCh38, chr15:45,104,267, plus strand): 5'-AGCCAGAGAGAACATGGACTCCACAAACATGTCCTGGGGCTTGAGGCCCAGGGACTCGGC[A>C]AACTCGGCCCTGCTCAGCTCGCAGGTCAGGGCCTCCCGCACCTTCTGGGAGGAGTCCAGG-3'
Protein context (NP_001350640.1, residues 801-821): ALTCELSRAE[Phe811Leu]AESLGLKPQD